The following is an entry in ClinVar:

ClinVar aggregate classification (germline): Likely benign. Review status: criteria provided, multiple submitters, no conflicts (2 of 4 stars). 2 submissions from 2 submitters: Likely benign (2). Last evaluated 2025-01-09.

Allele frequency attached by ClinVar (database versions not stated): gnomAD 0.00001.
gnomAD v4.1: 12 of 1,253,310 alleles (0.00096%); highest among the groups gnomAD compares: East Asian, 0.028%; no homozygotes.

Submissions (2):

Women's Health and Genetics/Laboratory Corporation of America, LabCorp
Classification: Likely benign. Last evaluated: 2025-01-09. Review status: criteria provided, single submitter. Criteria: LabCorp Variant Classification Summary - May 2015. Collection method: clinical testing. Allele origin: germline.
Comment: Variant summary: HBB c.316-99T>G is located at a position not widely known to affect splicing. Consensus agreement among computation tools predict no significant impact on normal splicing. However, these predictions have yet to be confirmed by functional studies. The variant was absent in 31400 control chromosomes. The available data on variant occurrences in the general population are insufficient to allow any conclusion about variant significance. To our knowledge, no occurrence of c.316-99T>G in individuals affected with Hemoglobinopathy and no experimental evidence demonstrating its impact on protein function have been reported. ClinVar contains an entry for this variant (Variation ID: 1115280). Based on the evidence outlined above, the variant was classified as likely benign.

Labcorp Genetics (formerly Invitae), Labcorp
Classification: Likely benign. Last evaluated: 2024-02-03. Review status: criteria provided, single submitter. Criteria: Invitae Variant Classification Sherloc (09022015). Collection method: clinical testing. Allele origin: germline.

NM_000518.5(HBB):c.316-99T>G

Genes: HBB (hemoglobin subunit beta; minus strand), LOC107133510 (origin of replication at HBB; plus strand), LOC110006319 (beta-globin gene 3' regulatory region; plus strand). Cytogenetic location: 11p15.4.
Variant type: single nucleotide variant.
Coding change: c.316-99T>G on transcript NM_000518.5 (MANE Select); 99 bases into the intron before coding-DNA position 316, T replaced by G.
Molecular consequence: intron variant.
Genome position (GRCh38, 1-based): chr11:5,225,825, A>C on the plus strand (T>G on the coding strand, the complement: HBB is on the minus strand). VCF-style: chr11-5225825-A-C. GRCh37 (hg19) VCF-style: chr11-5247055-A-C.
Identifiers: ClinVar variation 1115280 (VCV001115280.12), dbSNP rs1232651664, ClinGen allele CA597217537.